The following is an entry in ClinVar:

NM_000384.3(APOB):c.11288T>C (p.Leu3763Pro)

Gene: APOB (apolipoprotein B; minus strand). Cytogenetic location: 2p24.1.
Variant type: single nucleotide variant.
Coding change: c.11288T>C on transcript NM_000384.3 (MANE Select); coding-DNA position 11288, T replaced by C.
Protein change: p.Leu3763Pro; replaces leucine 3763 with proline.
Molecular consequence: missense variant.
Genome position (GRCh38, 1-based): chr2:21,005,580, A>G on the plus strand (T>C on the coding strand, the complement: APOB is on the minus strand). VCF-style: chr2-21005580-A-G. GRCh37 (hg19) VCF-style: chr2-21228452-A-G.
Other names: short protein forms L3763P.
Identifiers: ClinVar variation 979091 (VCV000979091.3), dbSNP rs1663106152, ClinGen allele CA345980037.
Genomic context (GRCh38, chr2:21,005,580, plus strand): 5'-AGGTTGAGGGCAAATGATGAAGTTCTCAGCTTCTTATAGATTTGTATTTCTCTGAAGTCA[A>G]GTTTGCACGATGGAACCTGAAGATCTGTAAATGGGACATGGAACGTAGGCATGACAAGAA-3'
Protein context (NP_000375.3, residues 3753-3773): FTDLQVPSCK[Leu3763Pro]DFREIQIYKK

ClinVar aggregate classification (germline): Uncertain significance. Review status: criteria provided, multiple submitters, no conflicts (2 of 4 stars). 3 submissions from 3 submitters: Uncertain significance (3). Last evaluated 2025-05-26.

Conditions:
Cardiovascular phenotype. Identifiers: MedGen CN230736.
Familial hypercholesterolemia. Also called: Familial hypercholesterolaemia. Identifiers: MedGen C0020445, MONDO:0005439.

Allele frequency attached by ClinVar (database versions not stated): TOPMed below 0.00001; gnomAD 0.00001.
gnomAD v4.1: 1 of 1,613,972 alleles (0.000062%); highest among the groups gnomAD compares: Non-Finnish European, 0.000085%; no homozygotes.

Submissions (3):

Ambry Genetics
Classification: Uncertain significance for Cardiovascular phenotype. Last evaluated: 2025-05-26. Review status: criteria provided, single submitter. Criteria: Ambry Variant Classification Scheme 2023. Collection method: clinical testing. Allele origin: germline.
Comment: The p.L3763P variant (also known as c.11288T>C), located in coding exon 26 of the APOB gene, results from a T to C substitution at nucleotide position 11288. The leucine at codon 3763 is replaced by proline, an amino acid with similar properties. This amino acid position is conserved. In addition, this alteration is predicted to be tolerated by in silico analysis. Based on the available evidence, the clinical significance of this variant remains unclear.

GeneDx
Classification: Uncertain significance. Last evaluated: 2025-03-18. Review status: criteria provided, single submitter. Criteria: GeneDx Variant Classification Process June 2021. Collection method: clinical testing. Allele origin: germline. Affected: yes.
Comment: Not observed at significant frequency in large population cohorts (gnomAD); In silico analysis supports that this missense variant has a deleterious effect on protein structure/function; Has not been previously published as pathogenic or benign to our knowledge

Human Genome Sequencing Center Clinical Lab, Baylor College of Medicine
Classification: Uncertain significance for Familial hypercholesterolemia. Review status: criteria provided, single submitter. Criteria: ACMG Guidelines, 2015. Collection method: clinical testing. Allele origin: germline.